The following is an entry in ClinVar:

NM_001048174.2(MUTYH):c.1102G>C (p.Gly368Arg)

Gene: MUTYH (mutY DNA glycosylase; minus strand). Cytogenetic location: 1p34.1.
Variant type: single nucleotide variant.
Coding change: c.1102G>C on transcript NM_001048174.2 (MANE Select); coding-DNA position 1102, G replaced by C.
Protein change: p.Gly368Arg; replaces glycine 368 with arginine.
Molecular consequence: missense variant. On other transcripts: non-coding transcript variant (7).
Genome position (GRCh38, 1-based): chr1:45,331,661, C>G on the plus strand (G>C on the coding strand, the complement: MUTYH is on the minus strand). VCF-style: chr1-45331661-C-G. GRCh37 (hg19) VCF-style: chr1-45797333-C-G.
Other names: c.1102G>C, p.Gly368Arg (NM_001407073.1, NM_001407081.1, NM_001048171.2 and 6 more transcripts); c.1018G>C, p.Gly340Arg (NM_001407075.1); c.1135G>C, p.Gly379Arg (NM_001407077.1, NM_001293191.2, NM_001407069.1); c.1105G>C, p.Gly369Arg (NM_001407078.1, NM_001048172.2, NM_001407071.1 and 1 more transcripts); c.1063G>C, p.Gly355Arg (NM_001407079.1); c.1060G>C, p.Gly354Arg (NM_001407080.1); c.757G>C, p.Gly253Arg (NM_001407082.1, NM_001350650.2, NM_001350651.2); c.1144G>C, p.Gly382Arg (NM_001407083.1, NM_001407085.1); and 5 more; short protein forms G369R, G393R, G396R, G340R, G383R, G253R, G276R, G354R.
Identifiers: ClinVar variation 2853149 (VCV002853149.3), dbSNP rs1064795219, ClinGen allele CA340133238.

ClinVar aggregate classification (germline): Uncertain significance (1 of 4 stars; one submission).

Conditions:
Familial adenomatous polyposis 2. Also called: COLORECTAL ADENOMATOUS POLYPOSIS, AUTOSOMAL RECESSIVE; ADENOMAS, MULTIPLE COLORECTAL, AUTOSOMAL RECESSIVE; MUTYH-related attenuated familial adenomatous polyposis; MUTYH-associated polyposis; MYH-associated polyposis; MUTYH Polyposis. Identifiers: Orphanet 220460, Orphanet 247798, MedGen C3272841, MONDO:0012041, OMIM 608456.

Allele frequency attached by ClinVar (database versions not stated): TOPMed below 0.00001.

Submission:

Labcorp Genetics (formerly Invitae), Labcorp
Classification: Uncertain significance for Familial adenomatous polyposis 2. Last evaluated: 2023-04-07. Review status: criteria provided, single submitter. Criteria: Invitae Variant Classification Sherloc (09022015). Collection method: clinical testing. Allele origin: germline.
Comment: This sequence change replaces glycine, which is neutral and non-polar, with arginine, which is basic and polar, at codon 396 of the MUTYH protein (p.Gly396Arg). This variant also falls at the last nucleotide of exon 12, which is part of the consensus splice site for this exon. This variant is not present in population databases (gnomAD no frequency). This variant has not been reported in the literature in individuals affected with MUTYH-related conditions. An algorithm developed to predict the effect of missense changes on protein structure and function (PolyPhen-2) suggests that this variant is likely to be disruptive. Variants that disrupt the consensus splice site are a relatively common cause of aberrant splicing (PMID: 17576681, 9536098). Algorithms developed to predict the effect of sequence changes on RNA splicing suggest that this variant may disrupt the consensus splice site. This variant disrupts the p.Gly396 amino acid residue in MUTYH. Other variant(s) that disrupt this residue have been determined to be pathogenic (PMID: 11818965, 15987719, 16557584, 17489848, 18534194, 19793053, 20848659, 23108399). This suggests that this residue is clinically significant, and that variants that disrupt this residue are likely to be disease-causing. In summary, the available evidence is currently insufficient to determine the role of this variant in disease. Therefore, it has been classified as a Variant of Uncertain Significance.

Literature cited by the submitters: PubMed 17576681; PubMed 9536098; PubMed 11818965; PubMed 15987719; PubMed 16557584; PubMed 17489848; PubMed 18534194; PubMed 19793053; PubMed 20848659; PubMed 23108399.